The following is an entry in ClinVar:

NM_003151.4(STAT4):c.343A>G (p.Ile115Val)

Gene: STAT4 (signal transducer and activator of transcription 4; minus strand). Cytogenetic location: 2q32.2.
Variant type: single nucleotide variant.
Coding change: c.343A>G on transcript NM_003151.4 (MANE Select); coding-DNA position 343, A replaced by G.
Protein change: p.Ile115Val; replaces isoleucine 115 with valine.
Molecular consequence: missense variant.
Genome position (GRCh38, 1-based): chr2:191,076,256, T>C on the plus strand (A>G on the coding strand, the complement: STAT4 is on the minus strand). VCF-style: chr2-191076256-T-C. GRCh37 (hg19) VCF-style: chr2-191940982-T-C.
Other names: c.343A>G, p.Ile115Val (NM_001243835.2); short protein forms I115V.
Identifiers: ClinVar variation 741427 (VCV000741427.14), dbSNP rs3024839, ClinGen allele CA2030920.
Genomic context (GRCh38, chr2:191,076,256, plus strand): 5'-ATAACAAGATCACAAGGTCAGAAAATATTACCTGGACAGGCATGTTGGCTGCAGCCAATA[T>C]TCTCCTCTCTTCCCTTAAACAGTTTGAAATAACCACAGCTACATGCATTGGATTTCCATG-3'
Protein context (NP_003142.1, residues 105-125): ISNCLREERR[Ile115Val]LAAANMPVQG

ClinVar aggregate classification (germline): Likely benign. Review status: criteria provided, multiple submitters, no conflicts (2 of 4 stars). 3 submissions from 3 submitters: Likely benign (3). Last evaluated 2026-05-01.

Allele frequency attached by ClinVar (database versions not stated): gnomAD exomes 0.00028 and 0.00068; ExAC 0.00078; 1000 Genomes Project 30x 0.00219; 1000 Genomes Project 0.00220; gnomAD 0.00251 and 0.00268; ESP Exome Variant Server 0.00277; TOPMed 0.00315.
gnomAD v4.1: 821 of 1,613,904 alleles (0.051%); highest among the groups gnomAD compares: African/African-American, 0.97%; 3 homozygotes.

Submissions (3):

CeGaT Center for Human Genetics Tuebingen
Classification: Likely benign. Last evaluated: 2026-05-01. Review status: criteria provided, single submitter. Criteria: CeGaT Center For Human Genetics Tuebingen Variant Classification Criteria Version 2. Collection method: clinical testing. Allele origin: germline. Affected: yes. Observed: 1 variant allele.
Comment: STAT4: BS1

Labcorp Genetics (formerly Invitae), Labcorp
Classification: Likely benign. Last evaluated: 2026-01-26. Review status: criteria provided, single submitter. Criteria: Invitae Variant Classification Sherloc (09022015). Collection method: clinical testing. Allele origin: germline.

Breakthrough Genomics
Classification: Likely benign. Review status: criteria provided, single submitter. Criteria: ACMG Guidelines, 2015. Collection method: not provided. Allele origin: germline. Inheritance: Unknown mechanism. Affected: yes.